The following is an entry in ClinVar:

ClinVar aggregate classification (germline): Conflicting classifications of pathogenicity. Review status: criteria provided, conflicting classifications (1 of 4 stars). 9 submissions from 9 submitters: Uncertain significance (5); Benign (1); Likely benign (1). 2 of the submissions do not count toward it. Last evaluated 2025-12-31.

Conditions:
COL5A1-related disorder. Also called: COL5A1-related condition.
Ehlers-Danlos syndrome, classic type, 1 (EDSCL1). Also called: Ehlers-Danlos syndrome, type 1; Ehlers-Danlos Syndrome, Classic Type, COL5A1-Related; EDS I; EHLERS-DANLOS SYNDROME, GRAVIS TYPE; EHLERS-DANLOS SYNDROME, SEVERE CLASSIC TYPE. Identifiers: MedGen C0268335, MONDO:0019567, OMIM 130000.
Ehlers-Danlos syndrome (EDS). Identifiers: Orphanet 98249, MedGen C0013720, MONDO:0020066.
Familial thoracic aortic aneurysm and aortic dissection (TAAD). Also called: Thoracic aortic aneurysms and dissections. Identifiers: Orphanet 91387, MedGen C4707243, MONDO:0019625.

Allele frequency attached by ClinVar (database versions not stated): ESP Exome Variant Server 0.00008; gnomAD 0.00010; TOPMed 0.00010.
gnomAD v4.1: 155 of 1,613,424 alleles (0.0096%); highest among the groups gnomAD compares: Middle Eastern, 0.033%; no homozygotes.

Submissions (9):

Labcorp Genetics (formerly Invitae), Labcorp
Classification: Benign for Ehlers-Danlos syndrome, classic type, 1. Last evaluated: 2025-12-31. Review status: criteria provided, single submitter. Criteria: Invitae Variant Classification Sherloc (09022015). Collection method: clinical testing. Allele origin: germline.

Mayo Clinic Laboratories, Mayo Clinic
Classification: Uncertain significance. Last evaluated: 2025-10-22. Review status: criteria provided, single submitter. Criteria: ACMG Guidelines, 2015. Collection method: clinical testing. Allele origin: germline. Observed: 1 variant allele.
Comment: BS1

PreventionGenetics, part of Exact Sciences
Classification: Uncertain significance for COL5A1-related condition. Last evaluated: 2025-06-03. Review status: criteria provided, single submitter. Criteria: ACMG Guidelines, 2015. Collection method: clinical testing. Allele origin: germline.
Comment: The COL5A1 c.1970C>T variant is predicted to result in the amino acid substitution p.Pro657Leu. This variant has been reported in an individual with Ehlers-Danlos syndrome (Table 3, Damseh et al. 2022. PubMed ID: 35128800). This variant was also identified in an individual with thoracic aortic aneurysm or dissection (TAAD), although this individual was noted to have a variant in the GATA4 gene as well (Table S2, Li et al. 2021. PubMed ID: 34150014). This variant is reported in 0.012% of alleles in individuals of European (Non-Finnish) descent in gnomAD. At this time, the clinical significance of this variant is uncertain due to the absence of conclusive functional and genetic evidence.

GeneDx
Classification: Uncertain significance. Last evaluated: 2025-04-22. Review status: criteria provided, single submitter. Criteria: GeneDx Variant Classification Process June 2021. Collection method: clinical testing. Allele origin: germline. Affected: yes.
Comment: In silico analysis supports that this missense variant has a deleterious effect on protein structure/function; Occurs in the triple helical domain at the Y position in the canonical Gly-X-Y repeat; although this variant may have an effect on normal protein folding and function, missense substitution at the Y position is not a common mechanism of disease (PMID: 22696272; HGMD); This variant is associated with the following publications: (PMID: 35128800, 22696272)

Blueprint Genetics
Classification: Likely benign. Last evaluated: 2024-11-08. Review status: criteria provided, single submitter. Criteria: ACMG Guidelines, 2015. Collection method: clinical testing. Allele origin: germline.

Ambry Genetics
Classification: Uncertain significance for Familial thoracic aortic aneurysm and aortic dissection. Last evaluated: 2024-04-23. Review status: criteria provided, single submitter. Criteria: Ambry Variant Classification Scheme 2023. Collection method: clinical testing. Allele origin: germline.
Comment: The p.P657L variant (also known as c.1970C>T), located in coding exon 19 of the COL5A1 gene, results from a C to T substitution at nucleotide position 1970. The proline at codon 657 is replaced by leucine, an amino acid with similar properties. This alteration has been reported in an Ehlers Danlos syndrome cohort and thoracic aortic aneurysm and dissection (TAAD) cohort (Li Y et al. Am J Transl Res, 2021 May;13:4281-4295; Damseh N et al. Am J Med Genet A, 2022 May;188:1376-1383). This amino acid position is highly conserved in available vertebrate species. In addition, the in silico prediction for this alteration is inconclusive. Based on the available evidence, the clinical significance of this variant remains unclear.

Genome Diagnostics Laboratory, The Hospital for Sick Children
Classification: Uncertain significance for Ehlers-Danlos syndrome. Last evaluated: 2019-09-03. Review status: criteria provided, single submitter. Criteria: ACMG Guidelines, 2015. Collection method: clinical testing. Allele origin: germline.

Genome Diagnostics Laboratory, Amsterdam University Medical Center
Classification: Uncertain significance. Review status: no assertion criteria provided. Collection method: clinical testing. Allele origin: germline. Affected: yes. Study: VKGL Data-share Consensus. Not counted in ClinVar's aggregate classification.

Genome Diagnostics Laboratory, University Medical Center Utrecht
Classification: Uncertain significance. Review status: no assertion criteria provided. Collection method: clinical testing. Allele origin: germline. Affected: yes. Study: VKGL Data-share Consensus. Not counted in ClinVar's aggregate classification.

Literature cited by the submitters: PubMed 34150014 (cited by Mayo Clinic Laboratories, Mayo Clinic and Ambry Genetics); PubMed 35128800 (cited by Mayo Clinic Laboratories, Mayo Clinic and Ambry Genetics).

NM_000093.5(COL5A1):c.1970C>T (p.Pro657Leu)

Gene: COL5A1 (collagen type V alpha 1 chain; plus strand). Cytogenetic location: 9q34.3.
Variant type: single nucleotide variant.
Coding change: c.1970C>T on transcript NM_000093.5 (MANE Select); coding-DNA position 1970, C replaced by T.
Protein change: p.Pro657Leu; replaces proline 657 with leucine.
Molecular consequence: missense variant.
Genome position (GRCh38, 1-based): chr9:134,761,959, C>T. VCF-style: chr9-134761959-C-T. GRCh37 (hg19) VCF-style: chr9-137653805-C-T.
Other names: p.P657L:CCG>CTG; p.Pro657Leu; c.1970C>T, p.Pro657Leu (NM_001278074.1); short protein forms P657L.
Identifiers: ClinVar variation 213039 (VCV000213039.26), dbSNP rs149912828, ClinGen allele CA324747.
Genomic context (GRCh38, chr9:134,761,959, plus strand): 5'-CTGACGTTGACCCTTTCACTTCCTAGGGTGACCCTGGTCCTTCCGGCCCACCAGGACCTC[C>T]GGGAGACGATGGAGAAAGGGTAGGTATTCTGCCGTCCCTCCGACTGCTCCTGCCTGCCCT-3'
Protein context (NP_000084.3, residues 647-667): DPGPSGPPGP[Pro657Leu]GDDGERGDDG